The following is an entry in ClinVar:

ClinVar aggregate classification (germline): not provided (0 of 4 stars; one submission).

Conditions:
Small for gestational age. Also called: Low birth weight. Identifiers: MedGen C0235991, HP:0001518.

Submission:

Institute of Molecular and Cell Biology, University of Tartu
No classification provided. Condition: Small for gestational age. Review status: no classification provided. Collection method: case-control. Allele origin: unknown. Affected: yes. Study: Kasak2014.
Comment: The study aimed to determine the contribution of copy number variants in the genetic etiology of normal and complicated pregnancies. The samples represented (i) maternal blood DNA drawn from healthy pregnant women during 1st or 2nd trimester and (ii) maternal and paternal blood DNA drawn at term pregnancy cases representing normal and complicated gestations (severe preeclampsia, PE; gestational diabetes, GD; small-for-gestational age newborn, SGA; large-for-gestational age newborn, LGA). We performed CNV calling based on genome-wide genotyping dataset (Illumina HumanOmniExpress-24-v1 BeadChip) by applying three algorithms, QuantiSNP, GADA (Genome Alteration Detection Algorithm) and CNstream in parallel. The acquired CNV calls were merged with HD-CNV (Hotspot Detector for Copy Number Variants) program and only the CNVs predicted by at least two programs, were considered in subsequent analysis.

Literature cited by the submitters: PubMed 25666259.

Single allele

Variant type: Deletion.
Identifiers: ClinVar variation 156812 (VCV000156812.2).